The following is an entry in ClinVar:

NM_000399.5(EGR2):c.169+204A>G

Gene: EGR2 (early growth response 2; minus strand). Cytogenetic location: 10q21.3.
Variant type: single nucleotide variant.
Coding change: c.169+204A>G on transcript NM_000399.5 (MANE Select); 204 bases into the intron after coding-DNA position 169, A replaced by G.
Molecular consequence: intron variant.
Genome position (GRCh38, 1-based): chr10:62,815,657, T>C on the plus strand (A>G on the coding strand, the complement: EGR2 is on the minus strand). VCF-style: chr10-62815657-T-C. GRCh37 (hg19) VCF-style: chr10-64575417-T-C.
Other names: c.169+204A>G (NM_001136178.2, NM_001136177.3); c.19+204A>G (NM_001321037.2, NM_001136179.3).
Identifiers: ClinVar variation 680034 (VCV000680034.1), dbSNP rs7893472, ClinGen allele CA13321866.

ClinVar aggregate classification (germline): Benign (1 of 4 stars; one submission).

Allele frequency attached by ClinVar (database versions not stated): gnomAD 0.15265 and 0.16199; 1000 Genomes Project 0.16514; TOPMed 0.17507; 1000 Genomes Project 30x 0.17786.
gnomAD v4.1: 23,074 of 152,276 alleles (15%); highest among the groups gnomAD compares: African/African-American, 46%; 4,613 homozygotes.

Submission:

GeneDx
Classification: Benign. Last evaluated: 2018-06-16. Review status: criteria provided, single submitter. Criteria: GeneDx Variant Classification (06012015). Collection method: clinical testing. Allele origin: germline. Affected: yes.
Comment: This variant is considered likely benign or benign based on one or more of the following criteria: it is a conservative change, it occurs at a poorly conserved position in the protein, it is predicted to be benign by multiple in silico algorithms, and/or has population frequency not consistent with disease.